The following is an entry in ClinVar:

NM_004068.4(AP2M1):c.1114_1116delinsGAG (p.Leu372Glu)

Gene: AP2M1 (adaptor related protein complex 2 subunit mu 1; plus strand). Cytogenetic location: 3q27.1.
Variant type: Indel.
Coding change: c.1114_1116delinsGAG on transcript NM_004068.4 (MANE Select); coding-DNA positions 1114 to 1116, CTT replaced by GAG.
Protein change: p.Leu372Glu; replaces leucine 372 with glutamic acid.
Molecular consequence: missense variant.
Genome position (GRCh38, 1-based): chr3:184,182,809-184,182,811, CTT replaced by GAG. VCF-style: chr3-184182809-CTT-GAG. GRCh37 (hg19) VCF-style: chr3-183900597-CTT-GAG.
Other names: c.1108_1110delinsGAG, p.Leu370Glu (NM_001025205.2); c.1189_1191delinsGAG, p.Leu397Glu (NM_001311198.2); short protein forms L397E, L370E, L372E.
Identifiers: ClinVar variation 3662693 (VCV003662693.2).

ClinVar aggregate classification (germline): Uncertain significance (1 of 4 stars; one submission).

Submission:

Labcorp Genetics (formerly Invitae), Labcorp
Classification: Uncertain significance. Last evaluated: 2024-08-17. Review status: criteria provided, single submitter. Criteria: Invitae Variant Classification Sherloc (09022015). Collection method: clinical testing. Allele origin: germline.
Comment: This sequence change replaces leucine, which is neutral and non-polar, with glutamic acid, which is acidic and polar, at codon 372 of the AP2M1 protein (p.Leu372Glu). Information on the frequency of this variant in the gnomAD database is not available, as this variant may be reported differently in the database. This variant has not been reported in the literature in individuals affected with AP2M1-related conditions. An algorithm developed to predict the effect of missense changes on protein structure and function (PolyPhen-2) suggests that this variant is likely to be disruptive. In summary, the available evidence is currently insufficient to determine the role of this variant in disease. Therefore, it has been classified as a Variant of Uncertain Significance.